The following is an entry in ClinVar:

ClinVar aggregate classification (germline): Likely benign (1 of 4 stars; one submission).

Allele frequency attached by ClinVar (database versions not stated): TOPMed below 0.00001.

Submission:

GeneDx
Classification: Likely benign. Last evaluated: 2016-04-04. Review status: criteria provided, single submitter. Criteria: GeneDx Variant Classification (06012015). Collection method: clinical testing. Allele origin: germline. Affected: yes.
Comment: This variant is considered likely benign or benign based on one or more of the following criteria: it is a conservative change, it occurs at a poorly conserved position in the protein, it is predicted to be benign by multiple in silico algorithms, and/or has population frequency not consistent with disease.

NM_018136.5(ASPM):c.4066-10C>A

Gene: ASPM (assembly factor for spindle microtubules; minus strand). Cytogenetic location: 1q31.3.
Variant type: single nucleotide variant.
Coding change: c.4066-10C>A on transcript NM_018136.5 (MANE Select); 10 bases into the intron before coding-DNA position 4066, C replaced by A.
Molecular consequence: intron variant.
Genome position (GRCh38, 1-based): chr1:197,105,195, G>T on the plus strand (C>A on the coding strand, the complement: ASPM is on the minus strand). VCF-style: chr1-197105195-G-T. GRCh37 (hg19) VCF-style: chr1-197074325-G-T.
Other names: c.4066-9031C>A (NM_001206846.2).
Identifiers: ClinVar variation 385398 (VCV000385398.1), dbSNP rs767134892, ClinGen allele CA16603464.
Genomic context (GRCh38, chr1:197,105,195, plus strand): 5'-ATATTTCAATTTCAGAAATCTTTGTCTAGTGGAATATCTTCTCCAATATCCCTGGAAAAG[G>T]TAAGAAAGGACACAAAGTAAAATAGGCATAGCTTTCTATATTTAACACTTTTCAAAATAC-3'